The following is an entry in ClinVar:

NM_032638.5(GATA2):c.745T>C (p.Tyr249His)

Gene: GATA2 (GATA binding protein 2; minus strand). Cytogenetic location: 3q21.3.
Variant type: single nucleotide variant.
Coding change: c.745T>C on transcript NM_032638.5 (MANE Select); coding-DNA position 745, T replaced by C.
Protein change: p.Tyr249His; replaces tyrosine 249 with histidine.
Molecular consequence: missense variant.
Genome position (GRCh38, 1-based): chr3:128,485,853, A>G on the plus strand (T>C on the coding strand, the complement: GATA2 is on the minus strand). VCF-style: chr3-128485853-A-G. GRCh37 (hg19) VCF-style: chr3-128204696-A-G.
Other names: c.745T>C, p.Tyr249His (NM_001145661.2, NM_001145662.1); short protein forms Y249H.
Identifiers: ClinVar variation 3241680 (VCV003241680.2), dbSNP rs2472930180.

ClinVar aggregate classification (germline): Uncertain significance. Review status: criteria provided, multiple submitters, no conflicts (2 of 4 stars). 2 submissions from 2 submitters: Uncertain significance (2). Last evaluated 2025-02-05.

Conditions:
Inborn genetic diseases. Identifiers: MedGen C0950123, MeSH D030342.
Acute myeloid leukemia (AML). Also called: Acute myeloid leukemia, adult; AML adult; Acute non-lymphocytic leukemia; Acute granulocytic leukemia; Leukemia, acute myeloid, somatic; Leukemia, acute myelogenous, somatic. Identifiers: Orphanet 519, MedGen C0023467, MeSH D015470, MONDO:0018874, OMIM 601626, HP:0004808. Disease mechanism: Constitutively activated FLT3.

Submissions (2):

Ambry Genetics
Classification: Uncertain significance for Inborn genetic diseases. Last evaluated: 2025-02-05. Review status: criteria provided, single submitter. Criteria: Ambry Variant Classification Scheme 2023. Collection method: clinical testing. Allele origin: germline.
Comment: The p.Y249H variant (also known as c.745T>C), located in coding exon 2 of the GATA2 gene, results from a T to C substitution at nucleotide position 745. The tyrosine at codon 249 is replaced by histidine, an amino acid with similar properties. This amino acid position is conserved. In addition, this alteration is predicted to be deleterious by in silico analysis. Based on the available evidence, the clinical significance of this variant remains unclear.

Baylor Genetics
Classification: Uncertain significance for Acute myeloid leukemia. Last evaluated: 2024-03-18. Review status: criteria provided, single submitter. Criteria: ACMG Guidelines, 2015. Collection method: clinical testing. Allele origin: unknown.